The following is an entry in ClinVar:

ClinVar aggregate classification (germline): Likely benign (0 of 4 stars; one submission).

Conditions:
CHD3-related disorder. Also called: CHD3-related condition.

Allele frequency attached by ClinVar (database versions not stated): gnomAD exomes below 0.00001; gnomAD 0.00001; TOPMed 0.00001.

Submission:

PreventionGenetics, part of Exact Sciences
Classification: Likely benign for CHD3-related condition. Last evaluated: 2021-09-10. Review status: no assertion criteria provided. Collection method: clinical testing. Allele origin: germline.
Comment: This variant is classified as likely benign based on ACMG/AMP sequence variant interpretation guidelines (Richards et al. 2015 PMID: 25741868, with internal and published modifications).

NM_001005273.3(CHD3):c.924+6dup

Genes: CHD3 (chromodomain helicase DNA binding protein 3; plus strand), LOC126862484 (CDK7 strongly-dependent group 2 enhancer GRCh37_chr17:7797066-7798265; plus strand). Cytogenetic location: 17p13.1.
Variant type: Duplication.
Coding change: c.924+6dup on transcript NM_001005273.3 (MANE Select); 6 bases into the intron after coding-DNA position 924, one base duplicated (T; older notation c.924+6dupT).
Molecular consequence: intron variant.
Genome position (GRCh38, 1-based): chr17:7,893,941, T duplicated. VCF-style (leftmost placement, unchanged base first): chr17-7893940-G-GT. GRCh37 (hg19) VCF-style: chr17-7797258-G-GT.
Other names: c.1101+6dup (NM_001005271.3); c.924+6dup (NM_005852.4).
Identifiers: ClinVar variation 3057398 (VCV003057398.2), dbSNP rs1292458394, ClinGen allele CA775357391.